The following is an entry in ClinVar:

ClinVar aggregate classification (germline): Uncertain significance. Review status: criteria provided, multiple submitters, no conflicts (2 of 4 stars). 6 submissions from 6 submitters: Uncertain significance (6). Last evaluated 2025-10-07.

Conditions:
Hereditary nonpolyposis colorectal neoplasms. Identifiers: MedGen C0009405, MeSH D003123.
Hereditary cancer-predisposing syndrome. Also called: Tumor predisposition; Hereditary Cancer Syndrome; Hereditary neoplastic syndrome; Neoplastic Syndromes, Hereditary. Identifiers: Orphanet 140162, MedGen C0027672, MeSH D009386, MONDO:0015356.
Lynch syndrome 5 (LYNCH5). Also called: Colorectal cancer, hereditary nonpolyposis, type 5; Hereditary non-polyposis colorectal cancer, type 5. Identifiers: Orphanet 144, MedGen C1833477, MONDO:0013710, OMIM 614350. Disease mechanism: loss of function.

Allele frequency attached by ClinVar (database versions not stated): gnomAD exomes below 0.00001; gnomAD 0.00001; TOPMed 0.00001.
gnomAD v4.1: 2 of 1,614,082 alleles (0.00012%); highest among the groups gnomAD compares: East Asian, 0.0022%; no homozygotes.

Submissions (6):

Color Diagnostics, LLC DBA Color Health
Classification: Uncertain significance for Hereditary cancer-predisposing syndrome. Last evaluated: 2025-10-07. Review status: criteria provided, single submitter. Criteria: ACMG Guidelines, 2015. Collection method: clinical testing. Allele origin: germline.
Comment: This missense variant replaces glutamic acid with lysine at codon 877 of the MSH6 protein. Computational prediction suggests that this variant may not impact protein structure and function. To our knowledge, functional studies have not been reported for this variant. This variant has not been reported in individuals affected with MSH6-related disorders in the literature. This variant has been identified in 2/1614082 chromosomes in the general population by the Genome Aggregation Database (gnomAD). The available evidence is insufficient to determine the role of this variant in disease conclusively. Therefore, this variant is classified as a Variant of Uncertain Significance.

Labcorp Genetics (formerly Invitae), Labcorp
Classification: Uncertain significance for Hereditary nonpolyposis colorectal neoplasms. Last evaluated: 2025-09-09. Review status: criteria provided, single submitter. Criteria: Invitae Variant Classification Sherloc (09022015). Collection method: clinical testing. Allele origin: germline.
Comment: This sequence change replaces glutamic acid, which is acidic and polar, with lysine, which is basic and polar, at codon 877 of the MSH6 protein (p.Glu877Lys). This variant is not present in population databases (gnomAD no frequency). This variant has not been reported in the literature in individuals affected with MSH6-related conditions. ClinVar contains an entry for this variant (Variation ID: 182636). Invitae Evidence Modeling of protein sequence and biophysical properties (such as structural, functional, and spatial information, amino acid conservation, physicochemical variation, residue mobility, and thermodynamic stability) indicates that this missense variant is not expected to disrupt MSH6 protein function with a negative predictive value of 95%. In summary, the available evidence is currently insufficient to determine the role of this variant in disease. Therefore, it has been classified as a Variant of Uncertain Significance.

Ambry Genetics
Classification: Uncertain significance for Hereditary cancer-predisposing syndrome. Last evaluated: 2024-03-08. Review status: criteria provided, single submitter. Criteria: Ambry Variant Classification Scheme 2023. Collection method: clinical testing. Allele origin: germline.
Comment: The p.E877K variant (also known as c.2629G>A), located in coding exon 4 of the MSH6 gene, results from a G to A substitution at nucleotide position 2629. The glutamic acid at codon 877 is replaced by lysine, an amino acid with similar properties. This amino acid position is not well conserved in available vertebrate species. In addition, the in silico prediction for this alteration is inconclusive. Based on the available evidence, the clinical significance of this alteration remains unclear.

ARUP Laboratories, Molecular Genetics and Genomics, ARUP Laboratories
Classification: Uncertain significance. Last evaluated: 2020-12-21. Review status: criteria provided, single submitter. Criteria: ARUP Molecular Germline Variant Investigation Process 2021. Collection method: clinical testing. Allele origin: germline.
Comment: The MSH6 c.2629G>A; p.Glu877Lys variant (rs730881797), to our knowledge, is not reported in the medical literature but is reported in ClinVar (Variation ID: 182636). This variant is absent from general population databases (Exome Variant Server, Genome Aggregation Database), indicating it is not a common polymorphism. The glutamate at codon 877 is weakly conserved, and computational analyses are uncertain whether this variant is neutral or deleterious (REVEL: 0.344). However, given the lack of clinical and functional data, the significance of the p.Glu877Lys variant is uncertain at this time.

GeneDx
Classification: Uncertain significance. Last evaluated: 2020-03-23. Review status: criteria provided, single submitter. Criteria: GeneDx Variant Classification Process June 2021. Collection method: clinical testing. Allele origin: germline. Affected: yes.
Comment: Has not been previously published as pathogenic or benign to our knowledge; Not observed in large population cohorts (Lek 2016); In silico analysis supports that this missense variant does not alter protein structure/function

Mendelics
Classification: Uncertain significance for Lynch syndrome 5. Last evaluated: 2019-05-28. Review status: criteria provided, single submitter. Criteria: Mendelics Assertion Criteria 2017. Collection method: clinical testing. Allele origin: unknown.

NM_000179.3(MSH6):c.2629G>A (p.Glu877Lys)

Gene: MSH6 (mutS homolog 6; plus strand). Cytogenetic location: 2p16.3.
Variant type: single nucleotide variant.
Coding change: c.2629G>A on transcript NM_000179.3 (MANE Select); coding-DNA position 2629, G replaced by A.
Protein change: p.Glu877Lys; replaces glutamic acid 877 with lysine.
Molecular consequence: missense variant.
Genome position (GRCh38, 1-based): chr2:47,800,612, G>A. VCF-style: chr2-47800612-G-A. GRCh37 (hg19) VCF-style: chr2-48027751-G-A.
Other names: p.E877K:GAA>AAA; c.2239G>A, p.Glu747Lys (NM_001281492.2); c.1723G>A, p.Glu575Lys (NM_001281493.2, NM_001281494.2); short protein forms E877K, E575K, E747K.
Identifiers: ClinVar variation 182636 (VCV000182636.26), dbSNP rs730881797, ClinGen allele CA010628.